The following is an entry in ClinVar:

ClinVar aggregate classification (germline): Pathogenic (1 of 4 stars; one submission).

Conditions:
2-aminoadipic 2-oxoadipic aciduria (AAKAD). Also called: ALPHA-AMINOADIPIC AND ALPHA-KETOADIPIC ACIDURIA; Aminoadipic aciduria. Identifiers: Orphanet 79154, MedGen C1859817, MONDO:0008774, OMIM 204750.

Submission:

Labcorp Genetics (formerly Invitae), Labcorp
Classification: Pathogenic for 2-aminoadipic 2-oxoadipic aciduria. Last evaluated: 2025-10-01. Review status: criteria provided, single submitter. Criteria: Invitae Variant Classification Sherloc (09022015). Collection method: clinical testing. Allele origin: germline.
Comment: This sequence change creates a premature translational stop signal (p.Phe20Leufs*33) in the DHTKD1 gene. It is expected to result in an absent or disrupted protein product. Loss-of-function variants in DHTKD1 are known to be pathogenic (PMID: 23141293, 25860818). This variant is not present in population databases (gnomAD no frequency). This variant has not been reported in the literature in individuals affected with DHTKD1-related conditions. For these reasons, this variant has been classified as Pathogenic.

Literature cited by the submitters: PubMed 23141293; PubMed 25860818.

NM_018706.7(DHTKD1):c.58_59del (p.Phe20fs)

Gene: DHTKD1 (dehydrogenase E1 and transketolase domain containing 1; plus strand). Cytogenetic location: 10p14.
Variant type: Deletion.
Coding change: c.58_59del on transcript NM_018706.7 (MANE Select); coding-DNA positions 58 to 59, 2 bases deleted (TT; older notation c.58_59delTT).
Protein change: p.Phe20fs; shifts the reading frame from phenylalanine 20.
Molecular consequence: frameshift variant.
Genome position (GRCh38, 1-based): chr10:12,069,091-12,069,092, TT deleted. VCF-style (leftmost placement, unchanged base first): chr10-12069090-CTT-C. GRCh37 (hg19) VCF-style: chr10-12111089-CTT-C.
Other names: short protein forms F20fs.
Identifiers: ClinVar variation 4704454 (VCV004704454.1).